The following is an entry in ClinVar:

ClinVar aggregate classification (germline): Conflicting classifications of pathogenicity. Review status: criteria provided, conflicting classifications (1 of 4 stars). 9 submissions from 9 submitters: Pathogenic (1); Uncertain significance (8). Last evaluated 2026-06-03.

Conditions:
Marfan syndrome (MFS). Also called: Marfan syndrome, classic; MARFAN SYNDROME, TYPE I; FBN1-Related Marfan Syndrome; Marfan syndrome type 1; Marfan's syndrome. Identifiers: Orphanet 284963, Orphanet 558, MedGen C0024796, MONDO:0007947, OMIM 154700.
Familial thoracic aortic aneurysm and aortic dissection (TAAD). Also called: Thoracic aortic aneurysms and dissections. Identifiers: Orphanet 91387, MedGen C4707243, MONDO:0019625.

Allele frequency attached by ClinVar (database versions not stated): gnomAD exomes 0.00002 and 0.00006; TOPMed 0.00002; gnomAD 0.00001; ExAC 0.00005.
gnomAD v4.1: 90 of 1,605,418 alleles (0.0056%); highest among the groups gnomAD compares: Non-Finnish European, 0.0076%; no homozygotes.

Submissions (9):

Women's Health and Genetics/Laboratory Corporation of America, LabCorp
Classification: Uncertain significance. Last evaluated: 2026-06-03. Review status: criteria provided, single submitter. Criteria: LabCorp Variant Classification Summary - May 2015. Collection method: clinical testing. Allele origin: germline.
Comment: Variant summary: FBN1 c.8051+5G>A alters a conserved nucleotide located close to a canonical splice site and therefore could affect mRNA splicing, leading to a significantly altered protein sequence. Several computational tools predict a significant impact on normal splicing: Three predict the variant weakens the canonical 5' donor site. One predict the variant abolishes the canonical 5' splicing donor site. However, these predictions have yet to be confirmed by functional studies. The variant allele was found at a frequency of 2.4e-05 in 249280 control chromosomes. The available data on variant occurrences in the general population are insufficient to allow any conclusion about variant significance. c.8051+5G>A has been reported in the literature in individuals affected with FBN1 related disorders (examples: Collod-Beroud_2003, Comeglio_2007, Meester_2021). These report(s) do not provide unequivocal conclusions about association of the variant with Aortopathy. To our knowledge, no experimental evidence demonstrating an impact on protein function has been reported. The following publications have been ascertained in the context of this evaluation (PMID: 12938084, 17657824, 35058154). ClinVar contains an entry for this variant (Variation ID: 457268). Based on the evidence outlined above, the variant was classified as uncertain significance.

GeneDx
Classification: Uncertain significance. Last evaluated: 2026-04-01. Review status: criteria provided, single submitter. Criteria: GeneDx Variant Classification Process June 2021. Collection method: clinical testing. Allele origin: germline.
Comment: In silico analysis is inconclusive as to whether the variant alters gene splicing. In the absence of RNA/functional studies, the actual effect of this sequence change is unknown.; This variant is associated with the following publications: (PMID: 25525159, 11702223, 12938084, 10756346, 36292727, 35058154, 17657824)

Labcorp Genetics (formerly Invitae), Labcorp
Classification: Uncertain significance for Marfan syndrome; Familial thoracic aortic aneurysm and aortic dissection. Last evaluated: 2025-12-04. Review status: criteria provided, single submitter. Criteria: Invitae Variant Classification Sherloc (09022015). Collection method: clinical testing. Allele origin: germline.
Comment: This sequence change falls in intron 64 of the FBN1 gene. It does not directly change the encoded amino acid sequence of the FBN1 protein. It affects a nucleotide within the consensus splice site. This variant is present in population databases (rs767384075, gnomAD 0.005%). This variant has been observed in individual(s) with FBN1-related conditions (PMID: 12938084, 17657824, 35058154; internal data). ClinVar contains an entry for this variant (Variation ID: 457268). Variants that disrupt the consensus splice site are a relatively common cause of aberrant splicing (PMID: 17576681, 9536098). Algorithms developed to predict the effect of sequence changes on RNA splicing suggest that this variant may disrupt the consensus splice site. In summary, the available evidence is currently insufficient to determine the role of this variant in disease. Therefore, it has been classified as a Variant of Uncertain Significance.

Ambry Genetics
Classification: Uncertain significance for Familial thoracic aortic aneurysm and aortic dissection. Last evaluated: 2025-01-20. Review status: criteria provided, single submitter. Criteria: Ambry Variant Classification Scheme 2023. Collection method: clinical testing. Allele origin: germline.
Comment: The c.8051+5G>A intronic variant results from a G to A substitution 5 nucleotides after coding exon 63 in the FBN1 gene. (Comeglio P et al. Hum Mutat, 2007 Sep;28:928; Meester JAN et al. Genet Med, 2022 May;24:1045-1053; Ambry internal data). This nucleotide position is highly conserved in available vertebrate species. In silico splice site analysis predicts that this alteration may weaken the native splice donor site. Based on the available evidence, the clinical significance of this variant remains unclear.

All of Us Research Program, National Institutes of Health
Classification: Uncertain significance for Marfan syndrome. Last evaluated: 2024-09-23. Review status: criteria provided, single submitter. Criteria: ACMG Guidelines, 2015. Collection method: clinical testing. Allele origin: germline. Inheritance: Autosomal dominant inheritance. Observed: 4 variant alleles, 4 heterozygotes.
Comment: This variant causes a G to A nucleotide substitution at the +5 position of intron 64 of the FBN1 gene. Splice site prediction tools predict that this variant may impact RNA splicing. To our knowledge, RNA studies have not been reported for this variant. This variant has been reported in an individual suspected to be affected with Marfan syndrome (PMID: 35058154) and in an individual who displayed heterogeneous Marfan syndrome-related clinical signs but did not fulfill the criteria for a Marfan syndrome diagnosis (PMID: 17657824). This variant has been identified in 7/280674 chromosomes in the general population by the Genome Aggregation Database (gnomAD). The available evidence is insufficient to determine the role of this variant in disease conclusively. Therefore, this variant is classified as a Variant of Uncertain Significance.

This study involves interpretation of variants in research participants for the purpose of population health screening. Participant phenotype was not available at the time of variant classification. Additional details can be found in publication PMID: 35346344, PMCID: PMC8962531

Color Diagnostics, LLC DBA Color Health
Classification: Uncertain significance for Familial thoracic aortic aneurysm and aortic dissection. Last evaluated: 2024-08-14. Review status: criteria provided, single submitter. Criteria: ACMG Guidelines, 2015. Collection method: clinical testing. Allele origin: germline.
Comment: This variant causes a G to A nucleotide substitution at the +5 position of intron 64 of the FBN1 gene. Splice site prediction tools predict that this variant may impact RNA splicing. To our knowledge, RNA studies have not been reported for this variant. This variant has been reported in an individual suspected to be affected with Marfan syndrome (PMID: 35058154) and in an individual who displayed heterogeneous Marfan syndrome-related clinical signs but did not fulfill the criteria for a Marfan syndrome diagnosis (PMID: 17657824). This variant has been identified in 7/280674 chromosomes in the general population by the Genome Aggregation Database (gnomAD). The available evidence is insufficient to determine the role of this variant in disease conclusively. Therefore, this variant is classified as a Variant of Uncertain Significance.

Blueprint Genetics
Classification: Uncertain significance. Last evaluated: 2023-08-16. Review status: criteria provided, single submitter. Criteria: ACMG Guidelines, 2015. Collection method: clinical testing. Allele origin: germline.

Clinical Genetics Laboratory, Skane University Hospital Lund
Classification: Uncertain significance. Last evaluated: 2023-01-02. Review status: criteria provided, single submitter. Criteria: ACMG Guidelines, 2015. Collection method: clinical testing. Allele origin: germline. Affected: yes.

Centre of Medical Genetics, University of Antwerp
Classification: Pathogenic for Marfan syndrome. Last evaluated: 2021-03-01. Review status: criteria provided, single submitter. Criteria: Submitter's publication. Collection method: research. Allele origin: unknown. Affected: yes.
Comment: PS4, PS1, PP4

Literature cited by the submitters: PubMed 12938084 (cited by Women's Health and Genetics/Laboratory Corporation of America, LabCorp and Labcorp Genetics (formerly Invitae), Labcorp); PubMed 17657824 (cited by 5 submitters); PubMed 35058154 (cited by 5 submitters); PubMed 9016526 (cited by Women's Health and Genetics/Laboratory Corporation of America, LabCorp); PubMed 17576681 (cited by Labcorp Genetics (formerly Invitae), Labcorp); PubMed 9536098 (cited by Labcorp Genetics (formerly Invitae), Labcorp).

NM_000138.5(FBN1):c.8051+5G>A

Gene: FBN1 (fibrillin 1; minus strand). Cytogenetic location: 15q21.1.
Variant type: single nucleotide variant.
Coding change: c.8051+5G>A on transcript NM_000138.5 (MANE Select); 5 bases into the intron after coding-DNA position 8051, G replaced by A.
Molecular consequence: intron variant.
Genome position (GRCh38, 1-based): chr15:48,415,531, C>T on the plus strand (G>A on the coding strand, the complement: FBN1 is on the minus strand). VCF-style: chr15-48415531-C-T. GRCh37 (hg19) VCF-style: chr15-48707728-C-T.
Identifiers: ClinVar variation 457268 (VCV000457268.40), dbSNP rs767384075, ClinGen allele CA059520.